The following is an entry in ClinVar:

ClinVar aggregate classification (germline): Uncertain significance (1 of 4 stars; one submission).

Conditions:
Myopathy, proximal, and ophthalmoplegia (CMYO6). Also called: MYOPATHY WITH CONGENITAL JOINT CONTRACTURES, OPHTHALMOPLEGIA, AND RIMMED VACUOLES; INCLUSION BODY MYOPATHY 3, AUTOSOMAL DOMINANT; CONGENITAL MYOPATHY 6 WITH OPHTHALMOPLEGIA. Identifiers: Orphanet 363677, Orphanet 79091, MedGen C1854106, MONDO:0011577, OMIM 605637.

Allele frequency attached by ClinVar (database versions not stated): gnomAD 0.00001; TOPMed 0.00001.

Submission:

Labcorp Genetics (formerly Invitae), Labcorp
Classification: Uncertain significance for Myopathy, proximal, and ophthalmoplegia. Last evaluated: 2023-08-22. Review status: criteria provided, single submitter. Criteria: Invitae Variant Classification Sherloc (09022015). Collection method: clinical testing. Allele origin: germline.
Comment: In summary, the available evidence is currently insufficient to determine the role of this variant in disease. Therefore, it has been classified as a Variant of Uncertain Significance. Advanced modeling of protein sequence and biophysical properties (such as structural, functional, and spatial information, amino acid conservation, physicochemical variation, residue mobility, and thermodynamic stability) performed at Invitae indicates that this missense variant is expected to disrupt MYH2 protein function. This variant has not been reported in the literature in individuals affected with MYH2-related conditions. This variant is not present in population databases (gnomAD no frequency). This sequence change replaces serine, which is neutral and polar, with phenylalanine, which is neutral and non-polar, at codon 157 of the MYH2 protein (p.Ser157Phe).

NM_017534.6(MYH2):c.470C>T (p.Ser157Phe)

Genes: MYH2 (myosin heavy chain 2; minus strand), MYHAS (myosin heavy chain gene cluster antisense RNA; plus strand). Cytogenetic location: 17p13.1.
Variant type: single nucleotide variant.
Coding change: c.470C>T on transcript NM_017534.6 (MANE Select); coding-DNA position 470, C replaced by T.
Protein change: p.Ser157Phe; replaces serine 157 with phenylalanine.
Molecular consequence: missense variant.
Genome position (GRCh38, 1-based): chr17:10,545,381, G>A on the plus strand (C>T on the coding strand, the complement: MYH2 is on the minus strand). VCF-style: chr17-10545381-G-A. GRCh37 (hg19) VCF-style: chr17-10448698-G-A.
Other names: c.470C>T, p.Ser157Phe (NM_001100112.2); short protein forms S157F.
Identifiers: ClinVar variation 2997299 (VCV002997299.3), dbSNP rs2073615377, ClinGen allele CA398170716.
Genomic context (GRCh38, chr17:10,545,381, plus strand): 5'-CTTGCAAAGCATTCGGCTCACTCACCAGTCAGCATGAACTGATAGGCGTTGTCAGAGATG[G>A]AGAAGATGTGGGGCGGGGCCTCCTGGCGCTTTTTGCCTCGGTAGGCTGTCACCACCTCGG-3'
Protein context (NP_060004.3, residues 147-167): KRQEAPPHIF[Ser157Phe]ISDNAYQFML